The following is an entry in ClinVar:

ClinVar aggregate classification (germline): Pathogenic (1 of 4 stars; one submission).

Submission:

Labcorp Genetics (formerly Invitae), Labcorp
Classification: Pathogenic. Last evaluated: 2023-02-23. Review status: criteria provided, single submitter. Criteria: Invitae Variant Classification Sherloc (09022015). Collection method: clinical testing. Allele origin: germline.
Comment: For these reasons, this variant has been classified as Pathogenic. This variant has not been reported in the literature in individuals affected with LAMB3-related conditions. This variant is not present in population databases (gnomAD no frequency). This sequence change creates a premature translational stop signal (p.Ser205Lysfs*53) in the LAMB3 gene. It is expected to result in an absent or disrupted protein product. Loss-of-function variants in LAMB3 are known to be pathogenic (PMID: 11023379, 16473856).

Literature cited by the submitters: PubMed 11023379; PubMed 16473856.

NM_000228.3(LAMB3):c.613dup (p.Ser205fs)

Gene: LAMB3 (laminin subunit beta 3; minus strand). Cytogenetic location: 1q32.2.
Variant type: Duplication.
Coding change: c.613dup on transcript NM_000228.3 (MANE Select); coding-DNA position 613, one base duplicated (A; older notation c.613dupA).
Protein change: p.Ser205fs; shifts the reading frame from serine 205.
Molecular consequence: frameshift variant.
Genome position (GRCh38, 1-based): chr1:209,633,085, T duplicated on the plus strand (A on the coding strand, the reverse complement: LAMB3 is on the minus strand); the first of 3 consecutive T bases (chr1:209,633,085-209,633,087); duplicating any one gives the same sequence. VCF-style (leftmost placement, unchanged base first): chr1-209633084-C-CT. GRCh37 (hg19) VCF-style: chr1-209806429-C-CT.
Other names: c.613dup, p.Ser205fs (NM_001017402.2, NM_001127641.1); short protein forms S205fs.
Identifiers: ClinVar variation 2840119 (VCV002840119.3), dbSNP rs2464871425, ClinGen allele CA2739275562.